The following is an entry in ClinVar:

ClinVar aggregate classification (germline): Likely pathogenic. Review status: criteria provided, multiple submitters, no conflicts (2 of 4 stars). 2 submissions from 2 submitters: Likely pathogenic (2). Last evaluated 2024-01-28.

Conditions:
SKIN/HAIR/EYE PIGMENTATION 1, BLUE/NONBLUE EYES (SHEP1). Also called: SKIN/HAIR/EYE PIGMENTATION 1, BLOND/BROWN HAIR; SKIN/HAIR/EYE PIGMENTATION 1, BLUE/BROWN EYES; BROWN EYE COLOR 2; EYE COLOR 3; EYE COLOR, BLUE/NONBLUE; EYE COLOR, BROWN/BLUE. Identifiers: MedGen C1856895, OMIM 227220.

Allele frequency attached by ClinVar (database versions not stated): gnomAD exomes below 0.00001; gnomAD 0.00001.
gnomAD v4.1: 3 of 1,614,074 alleles (0.00019%); highest among the groups gnomAD compares: South Asian, 0.0022%; no homozygotes.

Submissions (2):

Labcorp Genetics (formerly Invitae), Labcorp
Classification: Likely pathogenic. Last evaluated: 2024-01-28. Review status: criteria provided, single submitter. Criteria: Invitae Variant Classification Sherloc (09022015). Collection method: clinical testing. Allele origin: germline.
Comment: This sequence change affects an acceptor splice site in intron 3 of the OCA2 gene. It is expected to disrupt RNA splicing. Variants that disrupt the donor or acceptor splice site typically lead to a loss of protein function (PMID: 16199547), and loss-of-function variants in OCA2 are known to be pathogenic (PMID: 19865097, 21541274). This variant is not present in population databases (gnomAD no frequency). This variant has not been reported in the literature in individuals affected with OCA2-related conditions. Algorithms developed to predict the effect of sequence changes on RNA splicing suggest that this variant may disrupt the consensus splice site. In summary, the currently available evidence indicates that the variant is pathogenic, but additional data are needed to prove that conclusively. Therefore, this variant has been classified as Likely Pathogenic.

Baylor Genetics
Classification: Likely pathogenic for SKIN/HAIR/EYE PIGMENTATION 1, BLUE/NONBLUE EYES. Last evaluated: 2024-01-22. Review status: criteria provided, single submitter. Criteria: ACMG Guidelines, 2015. Collection method: clinical testing. Allele origin: unknown.

Literature cited by the submitters: PubMed 16199547 (cited by Labcorp Genetics (formerly Invitae), Labcorp); PubMed 19865097 (cited by Labcorp Genetics (formerly Invitae), Labcorp); PubMed 21541274 (cited by Labcorp Genetics (formerly Invitae), Labcorp).

NM_000275.3(OCA2):c.327-2A>G

Gene: OCA2 (OCA2 melanosomal transmembrane protein; minus strand). Cytogenetic location: 15q13.1.
Variant type: single nucleotide variant.
Coding change: c.327-2A>G on transcript NM_000275.3 (MANE Select); the canonical splice acceptor site of the intron before coding-DNA position 327, A replaced by G.
Molecular consequence: splice acceptor variant.
Genome position (GRCh38, 1-based): chr15:28,028,061, T>C on the plus strand (A>G on the coding strand, the complement: OCA2 is on the minus strand). VCF-style: chr15-28028061-T-C. GRCh37 (hg19) VCF-style: chr15-28273207-T-C.
Other names: c.327-2A>G (NM_001300984.2).
Identifiers: ClinVar variation 2807241 (VCV002807241.4), dbSNP rs2042809582, ClinGen allele CA391362326.
Genomic context (GRCh38, chr15:28,028,061, plus strand): 5'-CTTCCCAAGACTCTTCAGCAGTGATGAACTCTGGATGGTAAACAGGTATGCACCGTGACC[T>C]GGAAAGCAAGAGAGGTGTGGTTATCTCTCCTGAAATAGTAATGGCTACAAAGCAAGCTTT-3'